The following is an entry in ClinVar:

NM_014989.7(RIMS1):c.2770+4C>G

Gene: RIMS1 (regulating synaptic membrane exocytosis 1; plus strand). Cytogenetic location: 6q13.
Variant type: single nucleotide variant.
Coding change: c.2770+4C>G on transcript NM_014989.7 (MANE Select); 4 bases into the intron after coding-DNA position 2770, C replaced by G.
Molecular consequence: intron variant.
Genome position (GRCh38, 1-based): chr6:72,252,836, C>G. VCF-style: chr6-72252836-C-G. GRCh37 (hg19) VCF-style: chr6-72962539-C-G.
Other names: c.1123+4C>G (NM_001350428.2, NM_001350459.2, NM_001350424.2 and 6 more transcripts); c.1192+4C>G (NM_001350458.2, NM_001350433.2, NM_001350446.2 and 37 more transcripts); c.949+4C>G (NM_001350469.2, NM_001168409.2, NM_001350466.2 and 6 more transcripts); c.1147+4C>G (NM_001350470.2, NM_001168410.2, NM_001350473.2 and 2 more transcripts).
Identifiers: ClinVar variation 1898904 (VCV001898904.6), dbSNP rs953813197, ClinGen allele CA140882960.

ClinVar aggregate classification (germline): Conflicting classifications of pathogenicity. Review status: criteria provided, conflicting classifications (1 of 4 stars). 2 submissions from 2 submitters: Uncertain significance (1); Likely benign (1). Last evaluated 2022-11-04.

Allele frequency attached by ClinVar (database versions not stated): gnomAD 0.00003.
gnomAD v4.1: 5 of 1,551,370 alleles (0.00032%); highest among the groups gnomAD compares: African/African-American, 0.0068%; no homozygotes.

Submissions (2):

Blueprint Genetics
Classification: Likely benign. Last evaluated: 2022-11-04. Review status: criteria provided, single submitter. Criteria: ACMG Guidelines, 2015. Collection method: clinical testing. Allele origin: germline.

Labcorp Genetics (formerly Invitae), Labcorp
Classification: Uncertain significance. Last evaluated: 2022-02-11. Review status: criteria provided, single submitter. Criteria: Invitae Variant Classification Sherloc (09022015). Collection method: clinical testing. Allele origin: germline.
Comment: In summary, the available evidence is currently insufficient to determine the role of this variant in disease. Therefore, it has been classified as a Variant of Uncertain Significance. Variants that disrupt the consensus splice site are a relatively common cause of aberrant splicing (PMID: 17576681, 9536098). Algorithms developed to predict the effect of sequence changes on RNA splicing suggest that this variant is not likely to affect RNA splicing. This variant has not been reported in the literature in individuals affected with RIMS1-related conditions. This variant is present in population databases (no rsID available, gnomAD 0.02%). This sequence change falls in intron 16 of the RIMS1 gene. It does not directly change the encoded amino acid sequence of the RIMS1 protein. It affects a nucleotide within the consensus splice site.

Literature cited by the submitters: PubMed 17576681 (cited by Labcorp Genetics (formerly Invitae), Labcorp); PubMed 9536098 (cited by Labcorp Genetics (formerly Invitae), Labcorp).